The following is an entry in ClinVar:

NM_001009944.3(PKD1):c.8299C>G (p.Arg2767Gly)

Gene: PKD1 (polycystin 1, transient receptor potential channel interacting; minus strand). Cytogenetic location: 16p13.3.
Variant type: single nucleotide variant.
Coding change: c.8299C>G on transcript NM_001009944.3 (MANE Select); coding-DNA position 8299, C replaced by G.
Protein change: p.Arg2767Gly; replaces arginine 2767 with glycine.
Molecular consequence: missense variant.
Genome position (GRCh38, 1-based): chr16:2,103,758, G>C on the plus strand (C>G on the coding strand, the complement: PKD1 is on the minus strand). VCF-style: chr16-2103758-G-C. GRCh37 (hg19) VCF-style: chr16-2153759-G-C.
Other names: c.8299C>G, p.Arg2767Gly (NM_000296.4); short protein forms R2767G.
Identifiers: ClinVar variation 3579194 (VCV003579194.4).

ClinVar aggregate classification (germline): Conflicting classifications of pathogenicity. Review status: criteria provided, conflicting classifications (1 of 4 stars). 3 submissions from 3 submitters: Pathogenic (1); Uncertain significance (2). Last evaluated 2025-01-06.

Conditions:
Polycystic kidney disease, adult type (PKD1). Also called: Polycystic Kidney Disease 1, Autosomal Dominant; Polycystic kidney disease 1; Polycystic kidney disease 1, severe; POLYCYSTIC KIDNEY DISEASE 1 WITH OR WITHOUT POLYCYSTIC LIVER DISEASE; POLYCYSTIC KIDNEY DISEASE, ADULT, TYPE I; Polycystic Kidney, Autosomal Dominant. Identifiers: MedGen C3149841, MONDO:0008263, OMIM 173900.

Submissions (3):

Department of Pathology and Laboratory Medicine, Sinai Health System
Classification: Uncertain significance for Polycystic kidney disease, adult type. Last evaluated: 2025-01-06. Review status: criteria provided, single submitter. Criteria: ACMG Guidelines, 2015. Collection method: clinical testing. Allele origin: germline. Affected: yes.

Fulgent Genetics
Classification: Pathogenic for Polycystic kidney disease, adult type. Last evaluated: 2024-02-08. Review status: criteria provided, single submitter. Criteria: ACMG Guidelines, 2015. Collection method: clinical testing. Allele origin: germline.

Genetic Services Laboratory, University of Chicago
Classification: Uncertain significance. Last evaluated: 2023-01-18. Review status: criteria provided, single submitter. Criteria: ACMG Guidelines, 2015. Collection method: clinical testing. Allele origin: germline. Affected: no.
Comment: DNA sequence analysis of the PKD1 gene demonstrated a sequence change, c.8299C>G, in exon 23 that results in an amino acid change, p.Arg2767Gly. This sequence change not been described in population databases such as ExAC and gnomAD. The p.Arg2767Gly change affects a moderately conserved amino acid residue located in a domain of the PKD1 protein that is known to be functional. In-silico pathogenicity prediction tools (SIFT, PolyPhen2, Align GVGD, REVEL) provide contradictory results for the p.Arg2767Gly substitution. This particular amino acid change does not appear to have been described in the literature in individuals with PKD1-related disorders, however, a different pathogenic sequence change affecting the same amino acid residue (p.Arg2767Cys) has been described in individuals with polycystic kidney disease (PMID: 17574468, 22508176). Due to insufficient evidences and the lack of functional studies, the clinical significance of the p.Arg2767Gly change remains unknown at this time.